The following is an entry in ClinVar:

NM_000642.3(AGL):c.1788T>G (p.Tyr596Ter)

Gene: AGL (amylo-alpha-1,6-glucosidase and 4-alpha-glucanotransferase; plus strand). Cytogenetic location: 1p21.2.
Variant type: single nucleotide variant.
Coding change: c.1788T>G on transcript NM_000642.3 (MANE Select); coding-DNA position 1788, T replaced by G.
Protein change: p.Tyr596Ter; replaces tyrosine 596 with a stop codon.
Molecular consequence: nonsense.
Genome position (GRCh38, 1-based): chr1:99,880,684, T>G. VCF-style: chr1-99880684-T-G. GRCh37 (hg19) VCF-style: chr1-100346240-T-G.
Other names: c.1788T>G (NM_000642.2); c.1788T>G, p.Tyr596Ter (NM_000028.3, NM_000643.3, NM_000644.3 and 2 more transcripts); c.1740T>G, p.Tyr580Ter (NM_000646.3); c.1587T>G, p.Tyr529Ter (NM_001425327.1); c.1584T>G, p.Tyr528Ter (NM_001425328.1, NM_001425329.1); c.1410T>G, p.Tyr470Ter (NM_001425332.1); short protein forms Y580*, Y596*, Y470*, Y528*, Y529*.
Identifiers: ClinVar variation 998098 (VCV000998098.3), dbSNP rs777871903, ClinGen allele CA341316498.

ClinVar aggregate classification (germline): Pathogenic/Likely pathogenic. Review status: criteria provided, multiple submitters, no conflicts (2 of 4 stars). 3 submissions from 3 submitters: Pathogenic (2); Likely pathogenic (1). Last evaluated 2025-04-03.

Conditions:
Glycogen storage disease type III (GSD3). Also called: FORBES DISEASE; Cori disease. Identifiers: Orphanet 366, MedGen C0017922, MONDO:0009291, OMIM 232400.

gnomAD v4.1: 1 of 1,614,076 alleles (0.000062%); highest among the groups gnomAD compares: Non-Finnish European, 0.000085%; no homozygotes.

Submissions (3):

Myriad Genetics, Inc.
Classification: Pathogenic for Glycogen storage disease type III. Last evaluated: 2025-04-03. Review status: criteria provided, single submitter. Criteria: Myriad Autosomal Dominant, Autosomal Recessive and X-Linked Classification Criteria (2023). Collection method: clinical testing. Allele origin: unknown.
Comment: NM_000642.2(AGL):c.1788T>G(Y596*) is expected to be pathogenic in the context of glycogen storage disease type III. This variant is predicted to lead to an abnormal or absent protein product due to the creation of a premature termination codon in AGL, a gene where loss-of-function variants are known to be pathogenic. Please note: this variant was assessed in the context of healthy population screening.

Baylor Genetics
Classification: Likely pathogenic for Glycogen storage disease type III. Last evaluated: 2023-02-02. Review status: criteria provided, single submitter. Criteria: ACMG Guidelines, 2015. Collection method: clinical testing. Allele origin: unknown.

Centre for Human Genetics
Classification: Pathogenic for Glycogen storage disease type III. Last evaluated: 2014-11-03. Review status: criteria provided, single submitter. Criteria: ACMG Guidelines, 2015. Collection method: clinical testing. Allele origin: inherited. Inheritance: Autosomal recessive inheritance. Affected: yes. Observed: 1 variant allele.
Comment: disease causing